The following is an entry in ClinVar:

ClinVar aggregate classification (germline): Conflicting classifications of pathogenicity. Review status: criteria provided, conflicting classifications (1 of 4 stars). 13 submissions from 13 submitters: Uncertain significance (7); Likely benign (6). Last evaluated 2026-07-08.

Conditions:
Familial hypercholesterolemia. Also called: Familial hypercholesterolemias; Familial hypercholesterolaemia. Identifiers: MedGen C0020445, MONDO:0005439.
Hypercholesterolemia, autosomal dominant, type B (FHCL2). Also called: Familial hypercholesterolemia 2; Familial Hypercholesterolemia Type B; Hyperlipoproteinemia Type IIb; APOB-Related Familial Hypercholesterolemia, Autosomal Dominant; APOLIPOPROTEIN B-100, FAMILIAL DEFECTIVE; APOLIPOPROTEIN B-100, FAMILIAL LIGAND-DEFECTIVE. Identifiers: MedGen C1704417, MONDO:0007751, OMIM 144010.
Cardiovascular phenotype. Identifiers: MedGen CN230736.
Familial hypobetalipoproteinemia 1. Also called: Hypobetalipoproteinemia, normotriglyceridemic; Acanthocytosis with hypobetalipoproteinemia; APOB-Related Familial Hypobetalipoproteinemia. Identifiers: MedGen C4551990, MONDO:0014252, OMIM 615558.

Allele frequency attached by ClinVar (database versions not stated): ESP Exome Variant Server 0.00008; gnomAD 0.00008; gnomAD exomes 0.00008 and 0.00006; TOPMed 0.00011; ExAC 0.00012.
gnomAD v4.1: 104 of 1,613,858 alleles (0.0064%); highest among the groups gnomAD compares: Middle Eastern, 0.033%; no homozygotes.

Submissions (13):

Cambridge Genomics Laboratory, East Genomic Laboratory Hub, NHS Genomic Medicine Service
Classification: Uncertain significance for Familial hypercholesterolaemia. Last evaluated: 2026-07-08. Review status: criteria provided, single submitter. Criteria: ACGS Best Practice Guidelines for Variant Classification in Rare Disease 2020. Collection method: clinical testing. Allele origin: germline. Affected: yes.

Labcorp Genetics (formerly Invitae), Labcorp
Classification: Likely benign for Familial hypobetalipoproteinemia 1; Hypercholesterolemia, autosomal dominant, type B. Last evaluated: 2026-02-03. Review status: criteria provided, single submitter. Criteria: Invitae Variant Classification Sherloc (09022015). Collection method: clinical testing. Allele origin: germline.

CeGaT Center for Human Genetics Tuebingen
Classification: Likely benign. Last evaluated: 2025-09-01. Review status: criteria provided, single submitter. Criteria: CeGaT Center For Human Genetics Tuebingen Variant Classification Criteria Version 2. Collection method: clinical testing. Allele origin: germline. Affected: yes. Observed: 1 variant allele.
Comment: APOB: BP4

Ambry Genetics
Classification: Likely benign for Cardiovascular phenotype. Last evaluated: 2025-07-08. Review status: criteria provided, single submitter. Criteria: Ambry Variant Classification Scheme 2023. Collection method: clinical testing. Allele origin: germline.

Molecular Diagnostic Laboratory for Inherited Cardiovascular Disease, Montreal Heart Institute
Classification: Likely benign. Last evaluated: 2025-04-09. Review status: criteria provided, single submitter. Criteria: ACMG Guidelines, 2015. Collection method: clinical testing. Allele origin: germline. Affected: no.

Quest Diagnostics Nichols Institute San Juan Capistrano
Classification: Uncertain significance. Last evaluated: 2024-09-21. Review status: criteria provided, single submitter. Criteria: Quest Diagnostics criteria. Collection method: clinical testing. Allele origin: unknown.
Comment: The APOB c.13288T>A (p.Ser4430Thr) variant (also known as S4403T) has been reported in the heterozygous state in individuals affected with hypercholesterolemia (PMIDs: 36411388 (2023), 27919364 (2016)), hypertriglyceridemia (PMID: 20657596 (2010)), and ischemic stroke associated with borderline total cholesterol level (PMID: 36411388 (2023)). The frequency of this variant in the general population, 0.0002 (7/35364 chromosomes (Genome Aggregation Database)), is uninformative in the assessment of its pathogenicity. Analysis of this variant using bioinformatics tools for the prediction of the effect of amino acid changes on protein structure and function yielded conflicting predictions that this variant is deleterious or benign. Based on the available information, we are unable to determine the clinical significance of this variant.

Revvity Omics, Revvity
Classification: Uncertain significance. Last evaluated: 2024-04-12. Review status: criteria provided, single submitter. Criteria: ACMG Guidelines, 2015. Collection method: clinical testing. Allele origin: germline.

Women's Health and Genetics/Laboratory Corporation of America, LabCorp
Classification: Likely benign. Last evaluated: 2023-09-08. Review status: criteria provided, single submitter. Criteria: LabCorp Variant Classification Summary - May 2015. Collection method: clinical testing. Allele origin: germline.
Comment: Variant summary: APOB c.13288T>A (p.Ser4430Thr) results in a conservative amino acid change in the encoded protein sequence. Five of five in-silico tools predict a benign effect of the variant on protein function. The variant allele was found at a frequency of 7.6e-05 in 249878 control chromosomes. The observed variant frequency is approximately 3.8-fold of the estimated maximal expected allele frequency for a pathogenic variant in APOB causing Familial Hypercholesterolemia phenotype (2e-05), strongly suggesting that the variant is benign. c.13288T>A has been reported in the literature in individuals affected with Familial Hypercholesterolemia or hypertriglyceridemia without strong evidence of causality (e.g. Johansen_2010, Kusters_2013, Sjouke_2016). These reports do not provide unequivocal conclusions about association of the variant with Familial Hypercholesterolemia. To our knowledge, no experimental evidence demonstrating an impact on protein function has been reported. Eight submitters have cited clinical-significance assessments for this variant to ClinVar after 2014, and classified it as uncertain significance (n=6) or likely benign (n=2). Based on the evidence outlined above, the variant was classified as likely benign.

Department of Pathology and Laboratory Medicine, Sinai Health System
Classification: Uncertain significance for hypercholesterolemia, autosomal dominant, type B. Last evaluated: 2021-07-30. Review status: criteria provided, single submitter. Criteria: ACMG Guidelines, 2015. Collection method: research. Allele origin: germline.

GeneDx
Classification: Uncertain significance. Last evaluated: 2020-10-14. Review status: criteria provided, single submitter. Criteria: GeneDx Variant Classification Process June 2021. Collection method: clinical testing. Allele origin: germline. Affected: yes.
Comment: Identified in association with hypertriglyceridemia in the published literature, reported as S4403T due to alternate nomenclature (Johansen et al., 2010); In silico analysis supports that this missense variant does not alter protein structure/function; Reported in ClinVar but additional evidence is not available (ClinVar Variant ID#402373; Landrum et al., 2016); This variant is associated with the following publications: (PMID: 20657596)

Illumina Laboratory Services, Illumina
Classification: Uncertain significance for Hypercholesterolemia, autosomal dominant, type B. Last evaluated: 2019-08-23. Review status: criteria provided, single submitter. Criteria: ICSL Variant Classification Criteria 13 December 2019. Collection method: clinical testing. Allele origin: germline.
Comment: This variant was observed as part of a predisposition screen in an ostensibly healthy population. A literature search was performed for the gene, cDNA change, and amino acid change (where applicable). Publications were found based on this search. However, the evidence from the literature, in combination with allele frequency data from public databases where available, was not sufficient to rule this variant in or out of causing disease. Therefore, this variant is classified as a variant of unknown significance.

Laboratory for Molecular Medicine, Mass General Brigham Personalized Medicine
Classification: Likely benign. Last evaluated: 2019-05-08. Review status: criteria provided, single submitter. Criteria: ACMG Guidelines, 2015. Collection method: clinical testing. Allele origin: germline.
Comment: The p.Ser4430Thr variant in APOB is classified as likely benign due to a lack of conservation across species. 13 mammals carry a threonine (Thr) at this position despite high nearby amino acid conservation. In addition, computational prediction tools predict that this variant does not impact the protein. It has been identified in 0.02% (7/35364) of POPULATION chromosomes by gnomAD. ACMG/AMP Criteria applied: BP4_Strong, BS1_Supporting.

Institute of Human Genetics, University of Leipzig Medical Center
Classification: Uncertain significance for Hypercholesterolemia, autosomal dominant, type B. Last evaluated: 2018-07-10. Review status: criteria provided, single submitter. Criteria: ACMG Guidelines, 2015. Collection method: clinical testing. Allele origin: germline. Affected: yes. Observed: 1 variant allele.

Literature cited by the submitters: PubMed 20657596 (cited by 4 submitters); PubMed 27919364 (cited by 3 submitters); PubMed 34426522 (cited by Ambry Genetics and Quest Diagnostics Nichols Institute San Juan Capistrano); PubMed 36411388 (cited by Ambry Genetics and Quest Diagnostics Nichols Institute San Juan Capistrano); PubMed 23833242 (cited by Quest Diagnostics Nichols Institute San Juan Capistrano and Women's Health and Genetics/Laboratory Corporation of America, LabCorp).

NM_000384.3(APOB):c.13288T>A (p.Ser4430Thr)

Gene: APOB (apolipoprotein B; minus strand). Cytogenetic location: 2p24.1.
Variant type: single nucleotide variant.
Coding change: c.13288T>A on transcript NM_000384.3 (MANE Select); coding-DNA position 13288, T replaced by A.
Protein change: p.Ser4430Thr; replaces serine 4430 with threonine.
Molecular consequence: missense variant.
Genome position (GRCh38, 1-based): chr2:21,002,134, A>T on the plus strand (T>A on the coding strand, the complement: APOB is on the minus strand). VCF-style: chr2-21002134-A-T. GRCh37 (hg19) VCF-style: chr2-21225006-A-T.
Other names: short protein forms S4430T.
Identifiers: ClinVar variation 402373 (VCV000402373.38), dbSNP rs72654426, ClinGen allele CA052355.